The following is an entry in ClinVar:

NM_004560.4(ROR2):c.2143G>A (p.Asp715Asn)

Gene: ROR2 (receptor tyrosine kinase like orphan receptor 2; minus strand). Cytogenetic location: 9q22.31.
Variant type: single nucleotide variant.
Coding change: c.2143G>A on transcript NM_004560.4 (MANE Select); coding-DNA position 2143, G replaced by A.
Protein change: p.Asp715Asn; replaces aspartic acid 715 with asparagine.
Molecular consequence: missense variant.
Genome position (GRCh38, 1-based): chr9:91,724,351, C>T on the plus strand (G>A on the coding strand, the complement: ROR2 is on the minus strand). VCF-style: chr9-91724351-C-T. GRCh37 (hg19) VCF-style: chr9-94486633-C-T.
Other names: c.2143G>A (NM_004560.3); short protein forms D715N.
Identifiers: ClinVar variation 1471439 (VCV001471439.7), dbSNP rs201994918, ClinGen allele CA5120476.

ClinVar aggregate classification (germline): Uncertain significance. Review status: criteria provided, multiple submitters, no conflicts (2 of 4 stars). 2 submissions from 2 submitters: Uncertain significance (2). Last evaluated 2023-04-28.

Conditions:
Inborn genetic diseases. Identifiers: MedGen C0950123, MeSH D030342.

Allele frequency attached by ClinVar (database versions not stated): TOPMed 0.00004; ExAC 0.00006; gnomAD 0.00008 and 0.00009; 1000 Genomes Project 30x 0.00016; 1000 Genomes Project 0.00020.
gnomAD v4.1: 115 of 1,613,578 alleles (0.0071%); highest among the groups gnomAD compares: African/African-American, 0.012%; no homozygotes.

Submissions (2):

Labcorp Genetics (formerly Invitae), Labcorp
Classification: Uncertain significance. Last evaluated: 2023-04-28. Review status: criteria provided, single submitter. Criteria: Invitae Variant Classification Sherloc (09022015). Collection method: clinical testing. Allele origin: germline.
Comment: In summary, the available evidence is currently insufficient to determine the role of this variant in disease. Therefore, it has been classified as a Variant of Uncertain Significance. This variant has not been reported in the literature in individuals affected with ROR2-related conditions. Advanced modeling of protein sequence and biophysical properties (such as structural, functional, and spatial information, amino acid conservation, physicochemical variation, residue mobility, and thermodynamic stability) performed at Invitae indicates that this missense variant is not expected to disrupt ROR2 protein function. ClinVar contains an entry for this variant (Variation ID: 1471439). This variant is present in population databases (rs201994918, gnomAD 0.02%). This sequence change replaces aspartic acid, which is acidic and polar, with asparagine, which is neutral and polar, at codon 715 of the ROR2 protein (p.Asp715Asn).

Ambry Genetics
Classification: Uncertain significance for Inborn genetic diseases. Last evaluated: 2022-12-01. Review status: criteria provided, single submitter. Criteria: Ambry Variant Classification Scheme 2023. Collection method: clinical testing. Allele origin: germline.